The following is an entry in ClinVar:

ClinVar aggregate classification (germline): Uncertain significance (1 of 4 stars; one submission).

gnomAD v4.1: 3 of 1,613,764 alleles (0.00019%); highest among the groups gnomAD compares: Non-Finnish European, 0.00025%; no homozygotes.

Submission:

Labcorp Genetics (formerly Invitae), Labcorp
Classification: Uncertain significance. Last evaluated: 2022-10-17. Review status: criteria provided, single submitter. Criteria: Invitae Variant Classification Sherloc (09022015). Collection method: clinical testing. Allele origin: germline.
Comment: This variant has not been reported in the literature in individuals affected with CACNA1E-related conditions. In summary, the available evidence is currently insufficient to determine the role of this variant in disease. Therefore, it has been classified as a Variant of Uncertain Significance. Advanced modeling of protein sequence and biophysical properties (such as structural, functional, and spatial information, amino acid conservation, physicochemical variation, residue mobility, and thermodynamic stability) performed at Invitae indicates that this missense variant is not expected to disrupt CACNA1E protein function. ClinVar contains an entry for this variant (Variation ID: 1488805). This variant is present in population databases (rs369634310, gnomAD 0.0009%). This sequence change replaces alanine, which is neutral and non-polar, with proline, which is neutral and non-polar, at codon 2179 of the CACNA1E protein (p.Ala2179Pro).

NM_001205293.3(CACNA1E):c.6664G>C (p.Ala2222Pro)

Gene: CACNA1E (calcium voltage-gated channel subunit alpha1 E; plus strand). Cytogenetic location: 1q25.3.
Variant type: single nucleotide variant.
Coding change: c.6664G>C on transcript NM_001205293.3 (MANE Select); coding-DNA position 6664, G replaced by C.
Protein change: p.Ala2222Pro; replaces alanine 2222 with proline.
Molecular consequence: missense variant.
Genome position (GRCh38, 1-based): chr1:181,798,556, G>C. VCF-style: chr1-181798556-G-C. GRCh37 (hg19) VCF-style: chr1-181767692-G-C.
Other names: c.6535G>C, p.Ala2179Pro (NM_000721.4); c.6478G>C, p.Ala2160Pro (NM_001205294.2); short protein forms A2160P, A2179P, A2222P.
Identifiers: ClinVar variation 1488805 (VCV001488805.8), dbSNP rs369634310, ClinGen allele CA1276472.